The following is an entry in ClinVar:

NM_000744.7(CHRNA4):c.580A>G (p.Met194Val)

Gene: CHRNA4 (cholinergic receptor nicotinic alpha 4 subunit; minus strand). Cytogenetic location: 20q13.33.
Variant type: single nucleotide variant.
Coding change: c.580A>G on transcript NM_000744.7 (MANE Select); coding-DNA position 580, A replaced by G.
Protein change: p.Met194Val; replaces methionine 194 with valine.
Molecular consequence: missense variant. On other transcripts: non-coding transcript variant (1).
Genome position (GRCh38, 1-based): chr20:63,350,831, T>C on the plus strand (A>G on the coding strand, the complement: CHRNA4 is on the minus strand). VCF-style: chr20-63350831-T-C. GRCh37 (hg19) VCF-style: chr20-61982183-T-C.
Other names: c.52A>G, p.Met18Val (NM_001256573.2); short protein forms M194V, M18V.
Identifiers: ClinVar variation 2955891 (VCV002955891.11), dbSNP rs1601476801, ClinGen allele CA409637791.

ClinVar aggregate classification (germline): Uncertain significance. Review status: criteria provided, multiple submitters, no conflicts (2 of 4 stars). 2 submissions from 2 submitters: Uncertain significance (2). Last evaluated 2025-08-01.

Conditions:
Familial sleep-related hypermotor epilepsy. Also called: Autosomal Dominant Sleep-Related Hypermotor (Hyperkinetic) Epilepsy. Identifiers: Orphanet 98784, MedGen C3696898, MONDO:0000030.

Allele frequency attached by ClinVar (database versions not stated): gnomAD 0.00001.

Submissions (2):

CeGaT Center for Human Genetics Tuebingen
Classification: Uncertain significance. Last evaluated: 2025-08-01. Review status: criteria provided, single submitter. Criteria: CeGaT Center For Human Genetics Tuebingen Variant Classification Criteria Version 2. Collection method: clinical testing. Allele origin: germline. Affected: yes. Observed: 1 variant allele.
Comment: CHRNA4: PM2, BP4

Labcorp Genetics (formerly Invitae), Labcorp
Classification: Uncertain significance. Last evaluated: 2022-12-20. Review status: criteria provided, single submitter. Criteria: Invitae Variant Classification Sherloc (09022015). Collection method: clinical testing. Allele origin: germline.
Comment: This sequence change replaces methionine, which is neutral and non-polar, with valine, which is neutral and non-polar, at codon 194 of the CHRNA4 protein (p.Met194Val). This variant is not present in population databases (gnomAD no frequency). This variant has not been reported in the literature in individuals affected with CHRNA4-related conditions. Advanced modeling of protein sequence and biophysical properties (such as structural, functional, and spatial information, amino acid conservation, physicochemical variation, residue mobility, and thermodynamic stability) performed at Invitae indicates that this missense variant is not expected to disrupt CHRNA4 protein function. In summary, the available evidence is currently insufficient to determine the role of this variant in disease. Therefore, it has been classified as a Variant of Uncertain Significance.